The following is an entry in ClinVar:

ClinVar aggregate classification (germline): Likely pathogenic (1 of 4 stars; one submission).

Conditions:
SECISBP2-related disorder. Also called: SECISBP2-related condition.

Submission:

PreventionGenetics, part of Exact Sciences
Classification: Likely pathogenic for SECISBP2-related condition. Last evaluated: 2023-02-08. Review status: criteria provided, single submitter. Criteria: ACMG Guidelines, 2015. Collection method: clinical testing. Allele origin: germline.
Comment: The SECISBP2 c.2113+1G>T variant is predicted to disrupt the GT donor site and interfere with normal splicing. To our knowledge, this variant has not been reported in the literature or in a large population database, indicating this variant is rare. However, variants that disrupt the consensus splice donor site in SECISBP2 are expected to be pathogenic. At least one splicing variant has been reported in the compound heterozygous state in an individual with abnormal thyroid hormone metabolism (Dumitrescu et al. 2005. PubMed ID: 16228000) and an additional splicing variant has been reported in ClinVar as likely pathogenic (ClinVar ID: 1120062). Furthermore, loss of function variants in SECISBP2 are expected to be pathogenic (see, for example, Fu et al. 2020. PubMed ID: 32084277; Azevedo et al. 2010. PubMed ID: 20501692). Taken together, this variant is interpreted as likely pathogenic.

NM_024077.5(SECISBP2):c.2113+1G>T

Gene: SECISBP2 (SECIS binding protein 2; plus strand). Cytogenetic location: 9q22.2.
Variant type: single nucleotide variant.
Coding change: c.2113+1G>T on transcript NM_024077.5 (MANE Select); the canonical splice donor site of the intron after coding-DNA position 2113, G replaced by T.
Molecular consequence: splice donor variant.
Genome position (GRCh38, 1-based): chr9:89,350,853, G>T. VCF-style: chr9-89350853-G-T. GRCh37 (hg19) VCF-style: chr9-91965768-G-T.
Other names: c.1228+1G>T (NM_001354702.2); c.1999+1G>T (NM_001354697.2); c.1996+1G>T (NM_001354696.2); c.1906+1G>T (NM_001354698.2); c.2110+1G>T (NM_001282688.2); c.1894+1G>T (NM_001282689.2); c.1909+1G>T (NM_001282690.1).
Identifiers: ClinVar variation 2631911 (VCV002631911.1), dbSNP rs768602040, ClinGen allele CA373990885.
Genomic context (GRCh38, chr9:89,350,853, plus strand): 5'-AGCTCAAAAAACTGAAATGTGTCATTATTTCTCCCAACTGTGAGAAGATACAGTCAAAAG[G>T]TAAAGGCACAGTGTGGTCCTGTGATATGTGGGCCCCTGCATGAGTGCCTAGTGTGCCCTC-3'